The following is an entry in ClinVar:

ClinVar aggregate classification (germline): Pathogenic/Likely pathogenic. Review status: criteria provided, multiple submitters, no conflicts (2 of 4 stars). 6 submissions from 6 submitters: Pathogenic (3); Likely pathogenic (3). Last evaluated 2025-04-10.

Conditions:
Congenital myasthenic syndrome (CMS). Also called: Congenital Myasthenic Syndromes. Identifiers: Orphanet 590, MedGen C0751882, MeSH D020294, MONDO:0018940.
Congenital myasthenic syndrome 4A. Also called: MYASTHENIC SYNDROME, CONGENITAL, 4A, SLOW-CHANNEL, AUTOSOMAL RECESSIVE; CONGENITAL MYASTHENIC SYNDROME TYPE Ia1; Myasthenic syndrome, congenital, 4a, slow-channel. Identifiers: Orphanet 590, MedGen C4225413, MONDO:0011600, OMIM 605809.
Congenital myasthenic syndrome 4C (CMS4C). Also called: Myasthenic syndrome, congenital, associated with acetylcholine receptor deficiency. Identifiers: Orphanet 590, MedGen C1837091, MONDO:0012157, OMIM 608931.
Congenital myasthenic syndrome 4B. Also called: Myasthenic syndrome, congenital, 4b, fast-channel. Identifiers: Orphanet 590, MedGen C4225369, MONDO:0014586, OMIM 616324.

Allele frequency attached by ClinVar (database versions not stated): gnomAD exomes 0.00001.

Submissions (6):

Myriad Genetics, Inc.
Classification: Likely pathogenic for Congenital myasthenic syndrome. Last evaluated: 2025-04-10. Review status: criteria provided, single submitter. Criteria: Myriad Autosomal Dominant, Autosomal Recessive and X-Linked Classification Criteria (2023). Collection method: clinical testing. Allele origin: unknown.
Comment: NM_000080.3(CHRNE):c.934_936delATG(M312del) is an in-frame deletion classified as likely pathogenic in the context of congenital myasthenic syndrome, CHRNE-related. M312del has been observed in cases with relevant disease (PMID: 20157724, 15145336). Relevant functional assessments of this variant are available in the literature (PMID: 15145336). M312del has not been observed in referenced population frequency databases. In summary, NM_000080.3(CHRNE):c.934_936delATG(M312del) is an in-frame deletion that has functional support for pathogenicity and has been observed more frequently in cases with the relevant disease than in healthy populations. Please note: this variant was assessed in the context of healthy population screening.

Labcorp Genetics (formerly Invitae), Labcorp
Classification: Pathogenic for Congenital myasthenic syndrome 4A. Last evaluated: 2025-02-24. Review status: criteria provided, single submitter. Criteria: Invitae Variant Classification Sherloc (09022015). Collection method: clinical testing. Allele origin: germline.
Comment: This variant, c.934_936del, results in the deletion of 1 amino acid(s) of the CHRNE protein (p.Met312del), but otherwise preserves the integrity of the reading frame. This variant is not present in population databases (gnomAD no frequency). This variant has been observed in individual(s) with autosomal recessive congenital myasthenic syndrome (PMID: 15145336, 20157724). In at least one individual the data is consistent with being in trans (on the opposite chromosome) from a pathogenic variant. This variant is also known as p.Met292del. ClinVar contains an entry for this variant (Variation ID: 449451). Algorithms developed to predict the effect of variants on gene product structure and function are not available or were not evaluated for this variant. Experimental studies have shown that this variant affects CHRNE function (PMID: 15145336). For these reasons, this variant has been classified as Pathogenic.

Baylor Genetics
Classification: Likely pathogenic for Congenital myasthenic syndrome 4A. Last evaluated: 2024-03-18. Review status: criteria provided, single submitter. Criteria: ACMG Guidelines, 2015. Collection method: clinical testing. Allele origin: unknown.

Fulgent Genetics
Classification: Likely pathogenic for Congenital myasthenic syndrome 4A; Congenital myasthenic syndrome 4C; Congenital myasthenic syndrome 4B. Last evaluated: 2021-10-08. Review status: criteria provided, single submitter. Criteria: ACMG Guidelines, 2015. Collection method: clinical testing. Allele origin: unknown.

Revvity Omics, Revvity
Classification: Pathogenic. Last evaluated: 2019-07-16. Review status: criteria provided, single submitter. Criteria: ACMG Guidelines, 2015. Collection method: clinical testing. Allele origin: germline.

GeneDx
Classification: Pathogenic. Last evaluated: 2017-09-19. Review status: criteria provided, single submitter. Criteria: GeneDx Variant Classification (06012015). Collection method: clinical testing. Allele origin: germline. Affected: yes.
Comment: The c.934_936delATG pathogenic variant in the CHRNE gene has been reported previously in combination with another CHRNE variant in at least three individuals with congenital myasthenic syndrome (Brugnoni et al., 2010; Burke et al., 2004; Beeson et al., 2003). The c.934_936delATG variant causes an in-frame deletion of one amino acid, Methionine 312, denoted p.Met312del. This amino acid deletion occurs at a position where amino acids with similar properties to Methionine are tolerated across species. Functional studies demonstrate that the c.934_936delATG variant is associated with loss of AChR surface expression (Burke et al., 2004). The c.934_936delATG variant is not observed in large population cohorts (Lek et al., 2016; 1000 Genomes Consortium et al., 2015; Exome Variant Server). We interpret c.934_936delATG as a pathogenic variant.

Literature cited by the submitters: PubMed 15145336 (cited by Myriad Genetics, Inc. and Labcorp Genetics (formerly Invitae), Labcorp); PubMed 20157724 (cited by Myriad Genetics, Inc. and Labcorp Genetics (formerly Invitae), Labcorp).

NM_000080.4(CHRNE):c.934_936del (p.Met312del)

Genes: C17orf107 (chromosome 17 open reading frame 107; plus strand), CHRNE (cholinergic receptor nicotinic epsilon subunit; minus strand). Cytogenetic location: 17p13.2.
Variant type: Deletion.
Coding change: c.934_936del on transcript NM_000080.4 (MANE Select); coding-DNA positions 934 to 936, 3 bases deleted (ATG; older notation c.934_936delATG).
Protein change: p.Met312del; deletes methionine 312.
Molecular consequence: inframe deletion. On other transcripts: 5 prime UTR variant (1).
Genome position (GRCh38, 1-based): chr17:4,899,564-4,899,566, CAT deleted on the plus strand (ATG on the coding strand, the reverse complement: CHRNE is on the minus strand). VCF-style (leftmost placement, unchanged base first): chr17-4899563-CCAT-C. GRCh37 (hg19) VCF-style: chr17-4802858-CCAT-C.
Other names: c.934_936delATG (NM_000080.3); c.-199_-197del (NM_001145536.2); short protein forms M312del.
Identifiers: ClinVar variation 449451 (VCV000449451.17), dbSNP rs1555546465, ClinGen allele CA658658526.
Genomic context (GRCh38, chr17:4,899,563, plus strand): 5'-GCGTCCGCTGGGACACGTTGAGCACGATGACGCAATTCATGACAATGAGCGTGGCGACCA[CCAT>C]GACGAAAATAAGGAACCTGAGGAGCCCGGAAGGCATGACATCACCGTTCCTCCTCCCAGC-3'